The following is an entry in ClinVar:

ClinVar aggregate classification (germline): Uncertain significance (1 of 4 stars; one submission).

Submission:

GeneDx
Classification: Uncertain significance. Last evaluated: 2025-07-16. Review status: criteria provided, single submitter. Criteria: GeneDx Variant Classification Process June 2021. Collection method: clinical testing. Allele origin: germline. Affected: yes.
Comment: Has not been previously published as pathogenic or benign to our knowledge; Not observed at significant frequency in large population cohorts (gnomAD); In-frame deletion of 1 amino acid(s) in a non-repeat region; In silico analysis supports a deleterious effect on protein structure/function, but is inconclusive as to whether the variant alters gene splicing; in the absence of RNA/functional studies, the actual effect of this sequence change is unknown

NM_003660.4(PPFIA3):c.237_239del (p.Gln80del)

Genes: PPFIA3 (PPFI scaffold protein A3; plus strand), LOC130064903 (ATAC-STARR-seq lymphoblastoid silent region 10914; plus strand). Cytogenetic location: 19q13.33.
Variant type: Deletion.
Coding change: c.237_239del on transcript NM_003660.4 (MANE Select); coding-DNA positions 237 to 239, 3 bases deleted (CCA; older notation c.237_239delCCA).
Protein change: p.Gln80del; deletes glutamine 80.
Molecular consequence: inframe deletion. On other transcripts: non-coding transcript variant (1).
Genome position (GRCh38, 1-based): chr19:49,128,110-49,128,112, CCA deleted. VCF-style (leftmost placement, unchanged base first): chr19-49128109-CCCA-C. GRCh37 (hg19) VCF-style: chr19-49631366-CCCA-C.
Other names: short protein forms Q80del.
Identifiers: ClinVar variation 4686340 (VCV004686340.1).
Genomic context (GRCh38, chr19:49,128,109, plus strand): 5'-GGCTGCGCGAGCTCGGCCACGAGAAGGACTCGCTGCAGCGCCAGCTCAGCATCGCGCTGC[CCCA>C]GGTCTGGGCGGGACAGGGGCGGGGCATGAGGGGGCGGGGCCTCGGGGGGAAGAAGGCGGT-3'